The following is an entry in ClinVar:

ClinVar aggregate classification (germline): Uncertain significance (1 of 4 stars; one submission).

gnomAD v4.1: 4 of 1,614,076 alleles (0.00025%); highest among the groups gnomAD compares: Non-Finnish European, 0.00025%; no homozygotes.

Submission:

Labcorp Genetics (formerly Invitae), Labcorp
Classification: Uncertain significance. Last evaluated: 2025-03-20. Review status: criteria provided, single submitter. Criteria: Invitae Variant Classification Sherloc (09022015). Collection method: clinical testing. Allele origin: germline.
Comment: This sequence change replaces arginine, which is basic and polar, with cysteine, which is neutral and slightly polar, at codon 394 of the TWNK protein (p.Arg394Cys). This variant is present in population databases (no rsID available, gnomAD 0.007%). This variant has not been reported in the literature in individuals affected with TWNK-related conditions. Invitae Evidence Modeling of protein sequence and biophysical properties (such as structural, functional, and spatial information, amino acid conservation, physicochemical variation, residue mobility, and thermodynamic stability) indicates that this missense variant is expected to disrupt TWNK protein function with a positive predictive value of 95%. In summary, the available evidence is currently insufficient to determine the role of this variant in disease. Therefore, it has been classified as a Variant of Uncertain Significance.

NM_021830.5(TWNK):c.1180C>T (p.Arg394Cys)

Gene: TWNK (twinkle mtDNA helicase; plus strand). Cytogenetic location: 10q24.31.
Variant type: single nucleotide variant.
Coding change: c.1180C>T on transcript NM_021830.5 (MANE Select); coding-DNA position 1180, C replaced by T.
Protein change: p.Arg394Cys; replaces arginine 394 with cysteine.
Molecular consequence: missense variant. On other transcripts: non-coding transcript variant (4), intron variant (3).
Genome position (GRCh38, 1-based): chr10:100,989,390, C>T. VCF-style: chr10-100989390-C-T. GRCh37 (hg19) VCF-style: chr10-102749147-C-T.
Other names: c.1180C>T, p.Arg394Cys (NM_001163812.2); c.-119-254C>T (NM_001163814.2, NM_001163813.2); c.-57-316C>T (NM_001368275.1); short protein forms R394C.
Identifiers: ClinVar variation 3679545 (VCV003679545.2).